The following is an entry in ClinVar:

ClinVar aggregate classification (germline): Likely benign (1 of 4 stars; one submission).

Conditions:
Majeed syndrome (MJDS). Also called: CHRONIC RECURRENT MULTIFOCAL OSTEOMYELITIS 1, WITH CONGENITAL DYSERYTHROPOIETIC ANEMIA, WITH OR WITHOUT NEUTROPHILIC DERMATOSIS; LPIN2-Related Majeed Syndrome. Identifiers: Orphanet 77297, MedGen C1864997, MONDO:0012316, OMIM 609628.

Allele frequency attached by ClinVar (database versions not stated): TOPMed 0.00046; gnomAD 0.00054 and 0.00056; 1000 Genomes Project 0.00060; 1000 Genomes Project 30x 0.00062.
gnomAD v4.1: 118 of 1,030,780 alleles (0.011%); highest among the groups gnomAD compares: African/African-American, 0.16%; no homozygotes.

Submission:

Illumina Laboratory Services, Illumina
Classification: Likely benign for Majeed syndrome. Last evaluated: 2018-01-13. Review status: criteria provided, single submitter. Criteria: ICSL Variant Classification Criteria 13 December 2019. Collection method: clinical testing. Allele origin: germline.
Comment: This variant was observed in the ICSL laboratory as part of a predisposition screen in an ostensibly healthy population. It had not been previously curated by ICSL or reported in the Human Gene Mutation Database (HGMD: prior to June 1st, 2018), and was therefore a candidate for classification through an automated scoring system. Utilizing variant allele frequency, disease prevalence and penetrance estimates, and inheritance mode, an automated score was calculated to assess if this variant is too frequent to cause the disease. Based on the score and internal cut-off values, a variant classified as likely benign is not then subjected to further curation. The score for this variant resulted in a classification of likely benign for this disease.

NM_001375808.2(LPIN2):c.*151G>A

Gene: LPIN2 (lipin 2; minus strand). Cytogenetic location: 18p11.31.
Variant type: single nucleotide variant.
Coding change: c.*151G>A on transcript NM_001375808.2 (MANE Select); 151 bases downstream of the stop codon, G replaced by A.
Molecular consequence: 3 prime UTR variant.
Genome position (GRCh38, 1-based): chr18:2,920,142, C>T on the plus strand (G>A on the coding strand, the complement: LPIN2 is on the minus strand). VCF-style: chr18-2920142-C-T. GRCh37 (hg19) VCF-style: chr18-2920140-C-T.
Other names: c.*151G>A (NM_001375809.1, NM_014646.2).
Identifiers: ClinVar variation 326629 (VCV000326629.5), dbSNP rs571000282, ClinGen allele CA10641271.
Genomic context (GRCh38, chr18:2,920,142, plus strand): 5'-CAGTTCCTCCCTTCTCCTTCCAGGAGCTGAGCTGCAGACCTGCCGAGCCTGAGCAGCTGG[C>T]CTGGGAAGGCAAAGGAGGATGGCGGGACCAGCTCCAGAAGCACCCGTCCCCGCTGGGGAA-3'